The following is an entry in ClinVar:

ClinVar aggregate classification (germline): Likely benign. Review status: criteria provided, single submitter (1 of 4 stars). 2 submissions from 2 submitters: Likely benign (1). 1 of the submissions does not count toward it. Last evaluated 2026-01-01.

Conditions:
TTC21A-related disorder. Also called: TTC21A-related condition.

Allele frequency attached by ClinVar (database versions not stated): ESP Exome Variant Server 0.00042; 1000 Genomes Project 0.00060; 1000 Genomes Project 30x 0.00062; gnomAD 0.00072; TOPMed 0.00076; ExAC 0.00079.
gnomAD v4.1: 934 of 1,613,998 alleles (0.058%); highest among the groups gnomAD compares: Middle Eastern, 1.2%; 10 homozygotes.

Submissions (2):

CeGaT Center for Human Genetics Tuebingen
Classification: Likely benign. Last evaluated: 2026-01-01. Review status: criteria provided, single submitter. Criteria: CeGaT Center For Human Genetics Tuebingen Variant Classification Criteria Version 2. Collection method: clinical testing. Allele origin: germline. Affected: yes. Observed: 1 variant allele.
Comment: TTC21A: BP4, BP7

PreventionGenetics, part of Exact Sciences
Classification: Benign for TTC21A-related condition. Last evaluated: 2019-12-05. Review status: no assertion criteria provided. Collection method: clinical testing. Allele origin: germline. Not counted in ClinVar's aggregate classification.
Comment: This variant is classified as benign based on ACMG/AMP sequence variant interpretation guidelines (Richards et al. 2015 PMID: 25741868, with internal and published modifications).

NM_001366900.1(TTC21A):c.2940G>A (p.Ala980=)

Gene: TTC21A (tetratricopeptide repeat domain 21A; plus strand). Cytogenetic location: 3p22.2.
Variant type: single nucleotide variant.
Coding change: c.2940G>A on transcript NM_001366900.1 (MANE Select); coding-DNA position 2940, G replaced by A.
Protein change: p.Ala980=; no amino-acid change (alanine 980 retained).
Molecular consequence: synonymous variant. On other transcripts: non-coding transcript variant (3).
Genome position (GRCh38, 1-based): chr3:39,135,170, G>A. VCF-style: chr3-39135170-G-A. GRCh37 (hg19) VCF-style: chr3-39176661-G-A.
Other names: c.2817G>A, p.Ala939= (NM_001105513.3); c.2964G>A, p.Ala988= (NM_001366899.1); c.2961G>A, p.Ala987= (NM_145755.3).
Identifiers: ClinVar variation 3056219 (VCV003056219.6), dbSNP rs199550942, ClinGen allele CA2324857.
Genomic context (GRCh38, chr3:39,135,170, plus strand): 5'-GTTTAGAAAACAGAAACATGAAGCGGCCATCAATCTTTACCACCAAGTCTTGGAGAAAGC[G>A]CCAGGTAATTCTGCCCATGGAGACTGCCTGTACCAGTTCCCACTGAGCAAGGGCCGCTCT-3'
Protein context (NP_001353829.1, residues 970-990): INLYHQVLEK[Ala980=]PDNFLVLHKL